The following is an entry in ClinVar:

NM_017636.4(TRPM4):c.755G>A (p.Arg252His)

Gene: TRPM4 (transient receptor potential cation channel subfamily M member 4; plus strand). Cytogenetic location: 19q13.33.
Variant type: single nucleotide variant.
Coding change: c.755G>A on transcript NM_017636.4 (MANE Select); coding-DNA position 755, G replaced by A.
Protein change: p.Arg252His; replaces arginine 252 with histidine.
Molecular consequence: missense variant. On other transcripts: 5 prime UTR variant (2).
Genome position (GRCh38, 1-based): chr19:49,168,695, G>A. VCF-style: chr19-49168695-G-A. GRCh37 (hg19) VCF-style: chr19-49671952-G-A.
Other names: c.755G>A, p.Arg252His (NM_001195227.2); c.410G>A, p.Arg137His (NM_001321281.2); c.-799G>A (NM_001321282.2); c.233G>A, p.Arg78His (NM_001321283.2); c.-95G>A (NM_001321285.2); short protein forms R252H, R78H, R137H.
Identifiers: ClinVar variation 241182 (VCV000241182.55), dbSNP rs146564314, ClinGen allele CA9568935.

ClinVar aggregate classification (germline): Conflicting classifications of pathogenicity. Review status: criteria provided, conflicting classifications (1 of 4 stars). 11 submissions from 11 submitters: Uncertain significance (1); Benign (5); Likely benign (5). Last evaluated 2026-09-01.

Conditions:
Cardiovascular phenotype. Identifiers: MedGen CN230736.
Cardiomyopathy (CMYO). Also called: Cardiomyopathies. Identifiers: Orphanet 167848, MedGen C0878544, MONDO:0004994, HP:0001638. Inheritance: Various modes of inheritance.
Progressive familial heart block type IB (PFHB1B). Identifiers: Orphanet 871, MedGen C1970298, MONDO:0011474, OMIM 604559.

Allele frequency attached by ClinVar (database versions not stated): TOPMed 0.00361; gnomAD 0.00419 and 0.00453; ESP Exome Variant Server 0.00438.
gnomAD v4.1: 8,840 of 1,608,374 alleles (0.55%); highest among the groups gnomAD compares: Non-Finnish European, 0.64%; 29 homozygotes.

Submissions (11):

CeGaT Center for Human Genetics Tuebingen
Classification: Likely benign. Last evaluated: 2026-09-01. Review status: criteria provided, single submitter. Criteria: CeGaT Center For Human Genetics Tuebingen Variant Classification Criteria Version 2. Collection method: clinical testing. Allele origin: germline. Affected: yes. Observed: 3 variant alleles.
Comment: TRPM4: BP4, BS2

Labcorp Genetics (formerly Invitae), Labcorp
Classification: Benign for Progressive familial heart block type IB. Last evaluated: 2026-02-03. Review status: criteria provided, single submitter. Criteria: Invitae Variant Classification Sherloc (09022015). Collection method: clinical testing. Allele origin: germline.

Molecular Diagnostic Laboratory for Inherited Cardiovascular Disease, Montreal Heart Institute
Classification: Likely benign. Last evaluated: 2025-04-09. Review status: criteria provided, single submitter. Criteria: ACMG Guidelines, 2015. Collection method: clinical testing. Allele origin: germline. Affected: no.

Blueprint Genetics
Classification: Likely benign. Last evaluated: 2024-11-25. Review status: criteria provided, single submitter. Criteria: ACMG Guidelines, 2015. Collection method: clinical testing. Allele origin: germline.

ARUP Laboratories, Molecular Genetics and Genomics, ARUP Laboratories
Classification: Benign. Last evaluated: 2023-10-06. Review status: criteria provided, single submitter. Criteria: ARUP Molecular Germline Variant Investigation Process 2024. Collection method: clinical testing. Allele origin: germline.

Women's Health and Genetics/Laboratory Corporation of America, LabCorp
Classification: Likely benign. Last evaluated: 2023-07-30. Review status: criteria provided, single submitter. Criteria: LabCorp Variant Classification Summary - May 2015. Collection method: clinical testing. Allele origin: germline.

Center for Advanced Laboratory Medicine, UC San Diego Health, University of California San Diego
Classification: Benign for Cardiomyopathy. Last evaluated: 2019-04-17. Review status: criteria provided, single submitter. Criteria: ACMG Guidelines, 2015. Collection method: clinical testing. Allele origin: germline. Affected: yes. Observed: 1 variant allele.

Institute of Human Genetics, University of Leipzig Medical Center
Classification: Likely benign for Progressive familial heart block type IB. Last evaluated: 2019-01-01. Review status: criteria provided, single submitter. Criteria: ACMG Guidelines, 2015. Collection method: clinical testing. Allele origin: unknown. Affected: yes.

Illumina Laboratory Services, Illumina
Classification: Uncertain significance for Progressive familial heart block type IB. Last evaluated: 2017-04-27. Review status: criteria provided, single submitter. Criteria: ICSL Variant Classification Criteria 13 December 2019. Collection method: clinical testing. Allele origin: germline.
Comment: This variant was observed as part of a predisposition screen in an ostensibly healthy population. A literature search was performed for the gene, cDNA change, and amino acid change (where applicable). Publications were found based on this search. However, the evidence from the literature, in combination with allele frequency data from public databases where available, was not sufficient to rule this variant in or out of causing disease. Therefore, this variant is classified as a variant of unknown significance.

GeneDx
Classification: Benign. Last evaluated: 2016-11-15. Review status: criteria provided, single submitter. Criteria: GeneDx Variant Classification (06012015). Collection method: clinical testing. Allele origin: germline. Affected: yes.
Comment: This variant is considered likely benign or benign based on one or more of the following criteria: it is a conservative change, it occurs at a poorly conserved position in the protein, it is predicted to be benign by multiple in silico algorithms, and/or has population frequency not consistent with disease.

Ambry Genetics
Classification: Benign for Cardiovascular phenotype. Last evaluated: 2015-07-21. Review status: criteria provided, single submitter. Criteria: Ambry Variant Classification Scheme 2023. Collection method: clinical testing. Allele origin: germline.

Literature cited by the submitters: PubMed 27207958 (cited by Illumina Laboratory Services, Illumina); PubMed 21887725 (cited by Illumina Laboratory Services, Illumina); PubMed 26820365 (cited by Illumina Laboratory Services, Illumina).